The following is an entry in ClinVar:

ClinVar aggregate classification (germline): Uncertain significance. Review status: criteria provided, multiple submitters, no conflicts (2 of 4 stars). 2 submissions from 2 submitters: Uncertain significance (2). Last evaluated 2024-11-11.

Conditions:
Heterotopia, periventricular, X-linked dominant (PVNH1). Also called: PERIVENTRICULAR NODULAR HETEROTOPIA 1; X-linked periventricular heterotopia; PERIVENTRICULAR NODULAR HETEROTOPIA 4; HETEROTOPIA, PERIVENTRICULAR, 1. Identifiers: Orphanet 2149, Orphanet 82004, MedGen C1848213, MONDO:0010233, OMIM 300049.
Melnick-Needles syndrome (MNS). Also called: Melnick-Needles Syndrome (FLNA-MNS); MELNICK-NEEDLES OSTEODYSPLASTY; OSTEODYSPLASTY OF MELNICK AND NEEDLES. Identifiers: Orphanet 2484, MedGen C0025237, MONDO:0010650, OMIM 309350.
Frontometaphyseal dysplasia (FMD1). Identifiers: Orphanet 1826, MedGen C0265293, MONDO:0015942.
Oto-palato-digital syndrome, type II (OPD2). Also called: Otopalatodigital Syndrome Type 2 (FLNA-OPD2); FACIOPALATOOSSEOUS SYNDROME; OPD II SYNDROME; Otopalatodigital Syndrome, Type II. Identifiers: Orphanet 669, Orphanet 90652, MedGen C1844696, MONDO:0010571, OMIM 304120.

Allele frequency attached by ClinVar (database versions not stated): TOPMed 0.00001.

Submissions (2):

Labcorp Genetics (formerly Invitae), Labcorp
Classification: Uncertain significance for Oto-palato-digital syndrome, type II; Heterotopia, periventricular, X-linked dominant; Frontometaphyseal dysplasia; Melnick-Needles syndrome. Last evaluated: 2024-11-11. Review status: criteria provided, single submitter. Criteria: Invitae Variant Classification Sherloc (09022015). Collection method: clinical testing. Allele origin: germline.
Comment: This sequence change replaces threonine, which is neutral and polar, with alanine, which is neutral and non-polar, at codon 459 of the FLNA protein (p.Thr459Ala). This variant is not present in population databases (gnomAD no frequency). This variant has not been reported in the literature in individuals affected with FLNA-related conditions. ClinVar contains an entry for this variant (Variation ID: 1518421). Invitae Evidence Modeling of protein sequence and biophysical properties (such as structural, functional, and spatial information, amino acid conservation, physicochemical variation, residue mobility, and thermodynamic stability) indicates that this missense variant is not expected to disrupt FLNA protein function with a negative predictive value of 95%. In summary, the available evidence is currently insufficient to determine the role of this variant in disease. Therefore, it has been classified as a Variant of Uncertain Significance.

GeneDx
Classification: Uncertain significance. Last evaluated: 2023-02-01. Review status: criteria provided, single submitter. Criteria: GeneDx Variant Classification Process June 2021. Collection method: clinical testing. Allele origin: germline. Affected: yes.
Comment: Not observed at significant frequency in large population cohorts (gnomAD); In silico analysis supports that this missense variant does not alter protein structure/function; Has not been previously published as pathogenic or benign to our knowledge

NM_001110556.2(FLNA):c.1375A>G (p.Thr459Ala)

Gene: FLNA (filamin A; minus strand). Cytogenetic location: Xq28.
Variant type: single nucleotide variant.
Coding change: c.1375A>G on transcript NM_001110556.2 (MANE Select); coding-DNA position 1375, A replaced by G.
Protein change: p.Thr459Ala; replaces threonine 459 with alanine.
Molecular consequence: missense variant.
Genome position (GRCh38, 1-based): chrX:154,366,078, T>C on the plus strand (A>G on the coding strand, the complement: FLNA is on the minus strand). VCF-style: chrX-154366078-T-C. GRCh37 (hg19) VCF-style: chrX-153594446-T-C.
Other names: c.1375A>G (NM_001456.3); c.1375A>G, p.Thr459Ala (NM_001456.4); short protein forms T459A.
Identifiers: ClinVar variation 1518421 (VCV001518421.6), dbSNP rs1244330871, ClinGen allele CA415243709.